The following is an entry in ClinVar:

ClinVar aggregate classification (germline): Uncertain significance (1 of 4 stars; one submission).

Allele frequency attached by ClinVar (database versions not stated): gnomAD exomes below 0.00001; gnomAD 0.00001; TOPMed 0.00001.
gnomAD v4.1: 5 of 1,611,620 alleles (0.00031%); highest among the groups gnomAD compares: Admixed American, 0.0034%; no homozygotes.

Submission:

Labcorp Genetics (formerly Invitae), Labcorp
Classification: Uncertain significance. Last evaluated: 2022-03-09. Review status: criteria provided, single submitter. Criteria: Invitae Variant Classification Sherloc (09022015). Collection method: clinical testing. Allele origin: germline.
Comment: Algorithms developed to predict the effect of missense changes on protein structure and function output the following: SIFT: "Tolerated"; PolyPhen-2: "Benign"; Align-GVGD: "Class C0". The threonine amino acid residue is found in multiple mammalian species, which suggests that this missense change does not adversely affect protein function. ClinVar contains an entry for this variant (Variation ID: 954643). This variant has not been reported in the literature in individuals affected with RP1-related conditions. This variant is present in population databases (no rsID available, gnomAD 0.003%). This sequence change replaces alanine, which is neutral and non-polar, with threonine, which is neutral and polar, at codon 1974 of the RP1 protein (p.Ala1974Thr). In summary, the available evidence is currently insufficient to determine the role of this variant in disease. Therefore, it has been classified as a Variant of Uncertain Significance.

NM_006269.2(RP1):c.5920G>A (p.Ala1974Thr)

Genes: RP1 (RP1 axonemal microtubule associated; plus strand), LOC126860392 (CDK7 strongly-dependent group 2 enhancer GRCh37_chr8:55541319-55542518; plus strand). Cytogenetic location: 8q12.1.
Variant type: single nucleotide variant.
Coding change: c.5920G>A on transcript NM_006269.2 (MANE Select); coding-DNA position 5920, G replaced by A.
Protein change: p.Ala1974Thr; replaces alanine 1974 with threonine.
Molecular consequence: missense variant. On other transcripts: intron variant (1).
Genome position (GRCh38, 1-based): chr8:54,629,802, G>A. VCF-style: chr8-54629802-G-A. GRCh37 (hg19) VCF-style: chr8-55542362-G-A.
Other names: c.787+7514G>A (NM_001375654.1); short protein forms A1974T.
Identifiers: ClinVar variation 954643 (VCV000954643.10), dbSNP rs1323312591, ClinGen allele CA370988528.